The following is an entry in ClinVar:

ClinVar aggregate classification (germline): Uncertain significance (1 of 4 stars; one submission).

Conditions:
Charcot-Marie-Tooth disease type 4B1. Also called: CHARCOT-MARIE-TOOTH DISEASE, AUTOSOMAL RECESSIVE, WITH FOCALLY FOLDED MYELIN SHEATHS, AUTOSOMAL RECESSIVE, TYPE 4B1; CHARCOT-MARIE-TOOTH DISEASE, TYPE 4B; Charcot-Marie-Tooth Neuropathy Type 4B1; CHARCOT-MARIE-TOOTH DISEASE, DEMYELINATING, TYPE 4B1. Identifiers: Orphanet 99955, MedGen C1832399, MONDO:0011066, OMIM 601382.

Submission:

ARUP Laboratories, Molecular Genetics and Genomics, ARUP Laboratories
Classification: Uncertain significance for Charcot-Marie-Tooth disease type 4B1. Last evaluated: 2021-02-04. Review status: criteria provided, single submitter. Criteria: ARUP Molecular Germline Variant Investigation Process 2021. Collection method: clinical testing. Allele origin: germline.
Comment: The MTMR2 c.94C>G; p.His32Asp variant, to our knowledge, is not reported in the medical literature or gene-specific databases. This variant is also absent from general population databases (Exome Variant Server, Genome Aggregation Database), indicating it is not a common polymorphism. The histidine at codon 32 is weakly conserved, and computational analyses are uncertain whether this variant is neutral or deleterious (REVEL: 0.431). Given the lack of clinical and functional data, the significance of the p.His32Asp variant is uncertain at this time.

NM_016156.6(MTMR2):c.94C>G (p.His32Asp)

Gene: MTMR2 (myotubularin related protein 2; minus strand). Cytogenetic location: 11q21.
Variant type: single nucleotide variant.
Coding change: c.94C>G on transcript NM_016156.6 (MANE Select); coding-DNA position 94, C replaced by G.
Protein change: p.His32Asp; replaces histidine 32 with aspartic acid.
Molecular consequence: missense variant. On other transcripts: 5 prime UTR variant (3).
Genome position (GRCh38, 1-based): chr11:95,888,248, G>C on the plus strand (C>G on the coding strand, the complement: MTMR2 is on the minus strand). VCF-style: chr11-95888248-G-C. GRCh37 (hg19) VCF-style: chr11-95621412-G-C.
Other names: c.-319C>G (NM_001243571.2); c.-246C>G (NM_201278.3); c.-123C>G (NM_201281.3); short protein forms H32D.
Identifiers: ClinVar variation 1330630 (VCV001330630.7), dbSNP rs1591025020, ClinGen allele CA382406523.